The following is an entry in ClinVar:

NM_006514.4(SCN10A):c.5436A>G (p.Leu1812=)

Gene: SCN10A (sodium voltage-gated channel alpha subunit 10; minus strand). Cytogenetic location: 3p22.2.
Variant type: single nucleotide variant.
Coding change: c.5436A>G on transcript NM_006514.4 (MANE Select); coding-DNA position 5436, A replaced by G.
Protein change: p.Leu1812=; no amino-acid change (leucine 1812 retained).
Molecular consequence: synonymous variant.
Genome position (GRCh38, 1-based): chr3:38,697,784, T>C on the plus strand (A>G on the coding strand, the complement: SCN10A is on the minus strand). VCF-style: chr3-38697784-T-C. GRCh37 (hg19) VCF-style: chr3-38739275-T-C.
Other names: c.5433A>G, p.Leu1811= (NM_001293306.2); c.5142A>G, p.Leu1714= (NM_001293307.2); c.5436A>G (NM_006514.3).
Identifiers: ClinVar variation 1552672 (VCV001552672.12), dbSNP rs201753955, ClinGen allele CA2319672.

ClinVar aggregate classification (germline): Likely benign. Review status: criteria provided, multiple submitters, no conflicts (2 of 4 stars). 4 submissions from 4 submitters: Likely benign (4). Last evaluated 2026-03-19.

Conditions:
SCN10A-related disorder. Also called: SCN10A-related condition.
Cardiovascular phenotype. Identifiers: MedGen CN230736.
Brugada syndrome. Also called: Sudden unexpected nocturnal death syndrome; Sudden unexplained nocturnal death syndrome; Sudden Unexplained Death Syndrome; Sudden Unexplained Nocturnal Death Syndrome (SUNDS). Identifiers: Orphanet 130, MedGen C1142166, MONDO:0015263.

Allele frequency attached by ClinVar (database versions not stated): gnomAD 0.00005 and 0.00006; TOPMed 0.00005; ESP Exome Variant Server 0.00008.
gnomAD v4.1: 223 of 1,614,044 alleles (0.014%); highest among the groups gnomAD compares: Non-Finnish European, 0.018%; no homozygotes.

Submissions (4):

PreventionGenetics, part of Exact Sciences
Classification: Likely benign for SCN10A-related condition. Last evaluated: 2026-03-19. Review status: criteria provided, single submitter. Criteria: ACMG Guidelines, 2015. Collection method: clinical testing. Allele origin: germline.
Comment: This variant is classified as likely benign based on ACMG/AMP sequence variant interpretation guidelines (Richards et al. 2015 PMID: 25741868, with internal and published modifications).

Labcorp Genetics (formerly Invitae), Labcorp
Classification: Likely benign for Brugada syndrome. Last evaluated: 2025-10-15. Review status: criteria provided, single submitter. Criteria: Invitae Variant Classification Sherloc (09022015). Collection method: clinical testing. Allele origin: germline.

Blueprint Genetics
Classification: Likely benign. Last evaluated: 2023-06-01. Review status: criteria provided, single submitter. Criteria: ACMG Guidelines, 2015. Collection method: clinical testing. Allele origin: germline.

Ambry Genetics
Classification: Likely benign for Cardiovascular phenotype. Last evaluated: 2020-11-19. Review status: criteria provided, single submitter. Criteria: Ambry Variant Classification Scheme 2023. Collection method: clinical testing. Allele origin: germline.